The following is an entry in ClinVar:

ClinVar aggregate classification (germline): Uncertain significance. Review status: criteria provided, multiple submitters, no conflicts (2 of 4 stars). 2 submissions from 2 submitters: Uncertain significance (2). Last evaluated 2021-07-01.

Conditions:
Thrombophilia due to protein C deficiency, autosomal recessive. Also called: PROC DEFICIENCY, AUTOSOMAL RECESSIVE; PROTEIN C DEFICIENCY, AUTOSOMAL RECESSIVE. Identifiers: Orphanet 745, MedGen C2676759, MONDO:0012860, OMIM 612304.
Thrombophilia due to protein C deficiency, autosomal dominant. Also called: PROC DEFICIENCY, AUTOSOMAL DOMINANT; PROTEIN C DEFICIENCY, AUTOSOMAL DOMINANT. Identifiers: Orphanet 745, MedGen C2674321, MONDO:0008316, OMIM 176860. Disease mechanism: loss of function.

Allele frequency attached by ClinVar (database versions not stated): gnomAD exomes 0.00002 and 0.00007; gnomAD 0.00003 and 0.00004; TOPMed 0.00003; ExAC 0.00006.

Submissions (2):

Fulgent Genetics
Classification: Uncertain significance for Thrombophilia due to protein C deficiency, autosomal dominant; Thrombophilia due to protein C deficiency, autosomal recessive. Last evaluated: 2021-07-01. Review status: criteria provided, single submitter. Criteria: ACMG Guidelines, 2015. Collection method: clinical testing. Allele origin: unknown.

Foundation for Research in Genetics and Endocrinology, FRIGE's Institute of Human Genetics
Classification: Uncertain significance for Thrombophilia due to protein C deficiency, autosomal recessive. Last evaluated: 2019-09-13. Review status: criteria provided, single submitter. Criteria: ACMG Guidelines, 2015. Collection method: clinical testing. Allele origin: germline. Inheritance: Autosomal dominant inheritance. Affected: yes. Observed: 1 heterozygote.
Comment: A heterozygous missense variation in exon 3 of the PROC gene that results in the amino acid substitution of Glutamine for Arginine at codon 38 was detected. The observed variant c.113G>A (p.Arg38Gln) has not been reported in the 1000 genomes database and has a minor allele frequency of 0.006% in the ExAC database. The in silico prediction of the variant are possibly damaging by PolyPhen-2 (HumDiv) and damaging by SIFT and MutationTaster2. The reference codon is conserved across mammals.

NM_000312.4(PROC):c.113G>A (p.Arg38Gln)

Gene: PROC (protein C, inactivator of coagulation factors Va and VIIIa; plus strand). Cytogenetic location: 2q14.3.
Variant type: single nucleotide variant.
Coding change: c.113G>A on transcript NM_000312.4 (MANE Select); coding-DNA position 113, G replaced by A.
Protein change: p.Arg38Gln; replaces arginine 38 with glutamine.
Molecular consequence: missense variant.
Genome position (GRCh38, 1-based): chr2:127,421,325, G>A. VCF-style: chr2-127421325-G-A. GRCh37 (hg19) VCF-style: chr2-128178901-G-A.
Other names: c.296G>A, p.Arg99Gln (NM_001375602.1); c.176G>A, p.Arg59Gln (NM_001375603.1, NM_001375604.1, NM_001375606.1); c.113G>A, p.Arg38Gln (NM_001375605.1, NM_001375608.1, NM_001375611.1 and 1 more transcripts); c.197G>A, p.Arg66Gln (NM_001375607.1); c.89G>A, p.Arg30Gln (NM_001375609.1); c.107G>A, p.Arg36Gln (NM_001375610.1); short protein forms R30Q, R59Q, R66Q, R36Q, R99Q, R38Q.
Identifiers: ClinVar variation 800485 (VCV000800485.4), dbSNP rs773107370, ClinGen allele CA1859242.